The following is an entry in ClinVar:

ClinVar aggregate classification (germline): Conflicting classifications of pathogenicity. Review status: criteria provided, conflicting classifications (1 of 4 stars). 5 submissions from 5 submitters: Uncertain significance (1); Benign (1); Likely benign (2). 1 of the submissions does not count toward it. Last evaluated 2026-01-28.

Conditions:
PTPRC-related disorder. Also called: PTPRC-related condition.
Immunodeficiency 104. Also called: Severe Combined Immune Deficiency, Autosomal Recessive, TCell -Negative, B Cell-Positive, NK Cell-Positive, IL7R-Related; IMMUNODEFICIENCY 104, SEVERE COMBINED; Severe combined immunodeficiency, autosomal recessive, T cell-negative, B cell-positive, NK cell-positive; SCID, AUTOSOMAL RECESSIVE, T CELL-NEGATIVE, B CELL-POSITIVE, NK CELL-POSITIVE. Identifiers: MedGen C5676890, MONDO:0012163, OMIM 608971.

Allele frequency attached by ClinVar (database versions not stated): gnomAD 0.00026 and below 0.00001; gnomAD exomes 0.00058 and 0.00116; 1000 Genomes Project 30x 0.00125; ExAC 0.00128; 1000 Genomes Project 0.00140; TOPMed 0.00004.
gnomAD v4.1: 894 of 1,614,196 alleles (0.055%); highest among the groups gnomAD compares: South Asian, 0.89%; 10 homozygotes.

Submissions (5):

Labcorp Genetics (formerly Invitae), Labcorp
Classification: Benign for Immunodeficiency 104. Last evaluated: 2026-01-28. Review status: criteria provided, single submitter. Criteria: Invitae Variant Classification Sherloc (09022015). Collection method: clinical testing. Allele origin: germline.

CeGaT Center for Human Genetics Tuebingen
Classification: Likely benign. Last evaluated: 2022-04-01. Review status: criteria provided, single submitter. Criteria: CeGaT Center For Human Genetics Tuebingen Variant Classification Criteria Version 2. Collection method: clinical testing. Allele origin: germline. Affected: yes. Observed: 1 variant allele.
Comment: PTPRC: BS1

ARUP Laboratories, Molecular Genetics and Genomics, ARUP Laboratories
Classification: Uncertain significance. Last evaluated: 2017-10-06. Review status: criteria provided, single submitter. Criteria: ARUP Molecular Germline Variant Investigation Process. Collection method: clinical testing. Allele origin: germline.
Comment: The p.Ile189Asn variant (rs201715157) has not been reported in the medical literature, gene specific variation databases, nor has it been previously identified by our laboratory. This variant is listed in the Genome Aggregation Database (gnomAD) with an overall population frequency of 0.1 percent (identified on 287 out of 246,254 chromosomes). The isoleucine at position 189 is weakly conserved considering 12 species (Alamut v2.10) and computational analyses of the p.Ile189Asn variant on protein structure and function indicate a neutral effect (SIFT: tolerated, MutationTaster: polymorphism, PolyPhen-2:benign). Altogether, there is not enough evidence to classify the p.Ile189Asn variant with certainty.

GeneDx
Classification: Likely benign. Last evaluated: 2017-08-25. Review status: criteria provided, single submitter. Criteria: GeneDx Variant Classification (06012015). Collection method: clinical testing. Allele origin: germline. Affected: yes.
Comment: This variant is considered likely benign or benign based on one or more of the following criteria: it is a conservative change, it occurs at a poorly conserved position in the protein, it is predicted to be benign by multiple in silico algorithms, and/or has population frequency not consistent with disease.

PreventionGenetics, part of Exact Sciences
Classification: Likely benign for PTPRC-related condition. Last evaluated: 2020-03-17. Review status: no assertion criteria provided. Collection method: clinical testing. Allele origin: germline. Not counted in ClinVar's aggregate classification.
Comment: This variant is classified as likely benign based on ACMG/AMP sequence variant interpretation guidelines (Richards et al. 2015 PMID: 25741868, with internal and published modifications).

NM_002838.5(PTPRC):c.566T>A (p.Ile189Asn)

Gene: PTPRC (protein tyrosine phosphatase receptor type C; plus strand). Cytogenetic location: 1q32.1.
Variant type: single nucleotide variant.
Coding change: c.566T>A on transcript NM_002838.5 (MANE Select); coding-DNA position 566, T replaced by A.
Protein change: p.Ile189Asn; replaces isoleucine 189 with asparagine.
Molecular consequence: missense variant. On other transcripts: intron variant (1).
Genome position (GRCh38, 1-based): chr1:198,702,513, T>A. VCF-style: chr1-198702513-T-A. GRCh37 (hg19) VCF-style: chr1-198671642-T-A.
Other names: c.101-785T>A (NM_080921.4); short protein forms I189N.
Identifiers: ClinVar variation 516554 (VCV000516554.44), dbSNP rs201715157, ClinGen allele CA1314524.